The following is an entry in ClinVar:

ClinVar aggregate classification (germline): Conflicting classifications of pathogenicity. Review status: criteria provided, conflicting classifications (1 of 4 stars). 21 submissions from 20 submitters: Uncertain significance (1); Benign (10); Likely benign (5). 5 of the submissions do not count toward it. Last evaluated 2026-09-01.

Conditions:
CFTR-related disorder (CFTR-RD). Also called: CFTR-related disorders; CFTR-related condition. Identifiers: MedGen C5924204, MONDO:7770004.
Cystic fibrosis (CF). Also called: MUCOVISCIDOSIS. Identifiers: Orphanet 586, MedGen C0010674, MONDO:0009061, OMIM 219700. Disease mechanism: loss of function.

Allele frequency attached by ClinVar (database versions not stated): gnomAD 0.00858 and 0.00907; TOPMed 0.00924; ExAC 0.00585; gnomAD exomes 0.00588 and 0.00580; 1000 Genomes Project 0.00619; ESP Exome Variant Server 0.00946; 1000 Genomes Project 30x 0.00578.

Submissions (21):

CeGaT Center for Human Genetics Tuebingen
Classification: Benign. Last evaluated: 2026-09-01. Review status: criteria provided, single submitter. Criteria: CeGaT Center For Human Genetics Tuebingen Variant Classification Criteria Version 2. Collection method: clinical testing. Allele origin: germline. Affected: yes. Observed: 13 variant alleles.
Comment: CFTR: BP4, BP7, BS1, BS2

Labcorp Genetics (formerly Invitae), Labcorp
Classification: Benign for Cystic fibrosis. Last evaluated: 2026-02-04. Review status: criteria provided, single submitter. Criteria: Invitae Variant Classification Sherloc (09022015). Collection method: clinical testing. Allele origin: germline.

GeneDx
Classification: Likely benign. Last evaluated: 2025-08-02. Review status: criteria provided, single submitter. Criteria: GeneDx Variant Classification Process June 2021. Collection method: clinical testing. Allele origin: germline. Affected: yes.
Comment: See Variant Classification Assertion Criteria.

ARUP Laboratories, Molecular Genetics and Genomics, ARUP Laboratories
Classification: Benign. Last evaluated: 2025-07-28. Review status: criteria provided, single submitter. Criteria: ARUP Molecular Germline Variant Investigation Process 2024. Collection method: clinical testing. Allele origin: germline.

Blueprint Genetics
Classification: Likely benign. Last evaluated: 2024-11-27. Review status: criteria provided, single submitter. Criteria: ACMG Guidelines, 2015. Collection method: clinical testing. Allele origin: germline.

Mayo Clinic Laboratories, Mayo Clinic
Classification: Benign. Last evaluated: 2023-02-16. Review status: criteria provided, single submitter. Criteria: ACMG Guidelines, 2015. Collection method: clinical testing. Allele origin: germline. Observed: 75 variant alleles.

Genome Diagnostics Laboratory, The Hospital for Sick Children
Classification: Likely benign for Cystic fibrosis. Last evaluated: 2021-12-17. Review status: criteria provided, single submitter. Criteria: ACMG Guidelines, 2015. Collection method: clinical testing. Allele origin: germline.

Quest Diagnostics Nichols Institute San Juan Capistrano
Classification: Benign. Last evaluated: 2020-09-08. Review status: criteria provided, single submitter. Criteria: Quest Diagnostics criteria. Collection method: clinical testing. Allele origin: unknown.

Johns Hopkins Genomics, Johns Hopkins University
Classification: Likely benign for Cystic fibrosis. Last evaluated: 2019-09-16. Review status: criteria provided, single submitter. Criteria: ACMG Guidelines, 2015. Collection method: clinical testing. Allele origin: germline.

CFTR-France
Classification: Benign for cystic fibrosis. Last evaluated: 2018-01-29. Review status: criteria provided, single submitter. Criteria: Claustres M et al. (Hum Mutat 2017). Collection method: curation. Allele origin: germline. Affected: yes and no.
Comment: the variant does not result in CFTR-RD neither

Illumina Laboratory Services, Illumina
Classification: Uncertain significance for CFTR-Related Disorders. Last evaluated: 2018-01-13. Review status: criteria provided, single submitter. Criteria: ICSL Variant Classification Criteria 13 December 2019. Collection method: clinical testing. Allele origin: germline.

Eurofins Ntd Llc (ga)
Classification: Benign. Last evaluated: 2017-10-12. Review status: criteria provided, single submitter. Criteria: EGL Classification Definitions 2015. Collection method: clinical testing. Allele origin: germline. Observed: 9 variant alleles, 9 heterozygotes.

Ambry Genetics
Classification: Benign for Cystic fibrosis. Last evaluated: 2014-12-03. Review status: criteria provided, single submitter. Criteria: Ambry Variant Classification Scheme 2023. Collection method: clinical testing. Allele origin: germline.

Laboratory for Molecular Medicine, Mass General Brigham Personalized Medicine
Classification: Benign. Last evaluated: 2013-02-21. Review status: criteria provided, single submitter. Criteria: LMM Criteria. Collection method: clinical testing. Allele origin: germline. Observed: 2 variant alleles.
Comment: Thr966Thr in exon 17 of CFTR: This variant is not expected to have clinical sign ificance because it does not alter an amino acid residue and is not located with in the splice consensus sequence. It has been identified in 1.5% (68/4406) of Af rican American chromosomes from a broad population by the NHLBI Exome Sequencing Project (dbSNP rs1800109).

Women's Health and Genetics/Laboratory Corporation of America, LabCorp
Classification: Likely benign for Cystic Fibrosis. Last evaluated: 2011-08-18. Review status: criteria provided, single submitter. Criteria: LabCorp Variant Classification Summary - May 2015. Collection method: curation, clinical testing. Allele origin: germline. Inheritance: autosomal unknown. Affected: yes. Observed: 1 variant allele.
ClinVar note: Converted during submission from likely benign to Likely benign.

PreventionGenetics, part of Exact Sciences
Classification: Benign. Review status: criteria provided, single submitter. Criteria: ACMG Guidelines, 2015. Collection method: clinical testing. Allele origin: germline.

Genome Diagnostics Laboratory, The Hospital for Sick Children
Classification: Likely benign for CFTR-related disorders. Last evaluated: 2021-12-17. Review status: no assertion criteria provided. Collection method: clinical testing. Allele origin: germline. Not counted in ClinVar's aggregate classification.

Natera, Inc.
Classification: Likely benign for CFTR-related disorders. Last evaluated: 2018-03-22. Review status: no assertion criteria provided. Collection method: clinical testing. Allele origin: germline. Not counted in ClinVar's aggregate classification.

Clinical Genetics DNA and cytogenetics Diagnostics Lab, Erasmus MC, Erasmus Medical Center
Classification: Benign. Review status: no assertion criteria provided. Collection method: clinical testing. Allele origin: germline. Affected: yes. Study: VKGL Data-share Consensus. Not counted in ClinVar's aggregate classification.

Diagnostic Laboratory, Department of Genetics, University Medical Center Groningen
Classification: Likely benign. Review status: no assertion criteria provided. Collection method: clinical testing. Allele origin: germline. Affected: yes. Study: VKGL Data-share Consensus. Not counted in ClinVar's aggregate classification.

Joint Genome Diagnostic Labs from Nijmegen and Maastricht, Radboudumc and MUMC+
Classification: Benign. Review status: no assertion criteria provided. Collection method: clinical testing. Allele origin: germline. Affected: yes. Study: VKGL Data-share Consensus. Not counted in ClinVar's aggregate classification.

Literature cited by the submitters: PubMed 7525450 (cited by Quest Diagnostics Nichols Institute San Juan Capistrano and Women's Health and Genetics/Laboratory Corporation of America, LabCorp); PubMed 26436105 (cited by Quest Diagnostics Nichols Institute San Juan Capistrano); PubMed 25797027 (cited by Quest Diagnostics Nichols Institute San Juan Capistrano); PubMed 15084222 (cited by Quest Diagnostics Nichols Institute San Juan Capistrano); PubMed 9788722 (cited by Women's Health and Genetics/Laboratory Corporation of America, LabCorp); PubMed 12544470 (cited by Women's Health and Genetics/Laboratory Corporation of America, LabCorp); PubMed 1282900 (cited by Women's Health and Genetics/Laboratory Corporation of America, LabCorp); PubMed 1284534 (cited by Women's Health and Genetics/Laboratory Corporation of America, LabCorp); PubMed 11354633 (cited by Women's Health and Genetics/Laboratory Corporation of America, LabCorp); PubMed 10794365 (cited by Women's Health and Genetics/Laboratory Corporation of America, LabCorp).

NM_000492.4(CFTR):c.2898G>A (p.Thr966=)

Gene: CFTR (CF transmembrane conductance regulator; plus strand). Cytogenetic location: 7q31.2.
Variant type: single nucleotide variant.
Coding change: c.2898G>A on transcript NM_000492.4 (MANE Select); coding-DNA position 2898, G replaced by A.
Protein change: p.Thr966=; no amino-acid change (threonine 966 retained).
Molecular consequence: synonymous variant.
Genome position (GRCh38, 1-based): chr7:117,603,772, G>A. VCF-style: chr7-117603772-G-A. GRCh37 (hg19) VCF-style: chr7-117243826-G-A.
Other names: p.Thr966=.
Identifiers: ClinVar variation 35853 (VCV000035853.86), dbSNP rs1800109, ClinGen allele CA179875.